The following is an entry in ClinVar:

ClinVar aggregate classification (germline): Uncertain significance. Review status: criteria provided, multiple submitters, no conflicts (2 of 4 stars). 3 submissions from 3 submitters: Uncertain significance (3). Last evaluated 2024-09-17.

Conditions:
Intellectual disability, autosomal dominant 16 (CSS4). Also called: COFFIN-SIRIS SYNDROME 4. Identifiers: Orphanet 1465, MedGen C3553249, MONDO:0013821, OMIM 614609.
Hereditary cancer-predisposing syndrome. Also called: Hereditary neoplastic syndrome; Neoplastic Syndromes, Hereditary; Tumor predisposition; Hereditary Cancer Syndrome. Identifiers: Orphanet 140162, MedGen C0027672, MeSH D009386, MONDO:0015356.
Rhabdoid tumor predisposition syndrome 2 (RTPS2). Identifiers: Orphanet 231108, Orphanet 69077, MedGen C2750074, MONDO:0013224, OMIM 613325.

Submissions (3):

Labcorp Genetics (formerly Invitae), Labcorp
Classification: Uncertain significance for Rhabdoid tumor predisposition syndrome 2. Last evaluated: 2024-09-17. Review status: criteria provided, single submitter. Criteria: Invitae Variant Classification Sherloc (09022015). Collection method: clinical testing. Allele origin: germline.
Comment: This sequence change replaces lysine, which is basic and polar, with arginine, which is basic and polar, at codon 711 of the SMARCA4 protein (p.Lys711Arg). This variant is not present in population databases (gnomAD no frequency). This variant has not been reported in the literature in individuals affected with SMARCA4-related conditions. ClinVar contains an entry for this variant (Variation ID: 470287). Invitae Evidence Modeling of protein sequence and biophysical properties (such as structural, functional, and spatial information, amino acid conservation, physicochemical variation, residue mobility, and thermodynamic stability) indicates that this missense variant is not expected to disrupt SMARCA4 protein function with a negative predictive value of 95%. In summary, the available evidence is currently insufficient to determine the role of this variant in disease. Therefore, it has been classified as a Variant of Uncertain Significance.

Ambry Genetics
Classification: Uncertain significance for Hereditary cancer-predisposing syndrome. Last evaluated: 2024-09-04. Review status: criteria provided, single submitter. Criteria: Ambry Variant Classification Scheme 2023. Collection method: clinical testing. Allele origin: germline.
Comment: The p.K711R variant (also known as c.2132A>G), located in coding exon 14 of the SMARCA4 gene, results from an A to G substitution at nucleotide position 2132. The lysine at codon 711 is replaced by arginine, an amino acid with highly similar properties. Missense and in-frame variants in SMARCA4 are known to cause neurodevelopmental disorders; however, such associations with rhabdoid tumor predisposition syndrome including small cell carcinoma of the ovary-hypercalcemic type (SCCOHT) are exceedingly rare (Kosho T et al. Am J Med Genet C Semin Med Genet. 2014 Sep;166C(3):262-75; Jelinic P et al. Nat Genet. 2014 May;46(5):424-6). This amino acid position is well conserved in available vertebrate species. In addition, this alteration is predicted to be tolerated by in silico analysis. Based on the supporting evidence, the association of this alteration with Coffin-Siris syndrome is unknown; however, the association of this alteration with rhabdoid tumor predisposition syndrome is unlikely.

Genome-Nilou Lab
Classification: Uncertain significance for Intellectual disability, autosomal dominant 16. Last evaluated: 2021-07-15. Review status: criteria provided, single submitter. Criteria: ACMG Guidelines, 2015. Collection method: clinical testing. Allele origin: germline. Affected: no.

NM_003072.5(SMARCA4):c.2132A>G (p.Lys711Arg)

Gene: SMARCA4 (SWI/SNF related BAF chromatin remodeling complex subunit ATPase 4; plus strand). Cytogenetic location: 19p13.2.
Variant type: single nucleotide variant.
Coding change: c.2132A>G on transcript NM_003072.5 (MANE Select); coding-DNA position 2132, A replaced by G.
Protein change: p.Lys711Arg; replaces lysine 711 with arginine.
Molecular consequence: missense variant. On other transcripts: non-coding transcript variant (1).
Genome position (GRCh38, 1-based): chr19:11,010,389, A>G. VCF-style: chr19-11010389-A-G. GRCh37 (hg19) VCF-style: chr19-11121065-A-G.
Other names: c.2132A>G, p.Lys711Arg (NM_001128844.3, NM_001128845.2, NM_001128846.2 and 5 more transcripts); short protein forms K711R.
Identifiers: ClinVar variation 470287 (VCV000470287.18), dbSNP rs1555773235, ClinGen allele CA404052663.
Genomic context (GRCh38, chr19:11,010,389, plus strand): 5'-TGTCACAGATAGGAATGTGTGTCCTTACCCGGCACCTCCATCTCACTCCCAGGAATGCCA[A>G]GCAAGATGTCGATGATGAATATGGCGTGTCCCAGGCCCTTGCACGTGGCCTGCAGTCCTA-3'
Protein context (NP_003063.2, residues 701-721): VDARHIIENA[Lys711Arg]QDVDDEYGVS